The following is an entry in ClinVar:

ClinVar aggregate classification (germline): Uncertain significance. Review status: criteria provided, multiple submitters, no conflicts (2 of 4 stars). 2 submissions from 2 submitters: Uncertain significance (2). Last evaluated 2025-11-03.

Conditions:
Cardiomyopathy (CMYO). Also called: Cardiomyopathies. Identifiers: Orphanet 167848, MedGen C0878544, MONDO:0004994, HP:0001638. Inheritance: Various modes of inheritance.
Hypertrophic cardiomyopathy. Also called: HYPERTROPHIC MYOCARDIOPATHY. Identifiers: Orphanet 217569, MedGen C0007194, MeSH D002312, MONDO:0005045, HP:0001639.

gnomAD v4.1: 1 of 1,614,070 alleles (0.000062%); highest among the groups gnomAD compares: Non-Finnish European, 0.000085%; no homozygotes.

Submissions (2):

Labcorp Genetics (formerly Invitae), Labcorp
Classification: Uncertain significance for Hypertrophic cardiomyopathy. Last evaluated: 2025-11-03. Review status: criteria provided, single submitter. Criteria: Invitae Variant Classification Sherloc (09022015). Collection method: clinical testing. Allele origin: germline.
Comment: This sequence change replaces aspartic acid, which is acidic and polar, with histidine, which is basic and polar, at codon 1272 of the MYH7 protein (p.Asp1272His). This variant is not present in population databases (gnomAD no frequency). This variant has not been reported in the literature in individuals affected with MYH7-related conditions. ClinVar contains an entry for this variant (Variation ID: 3075333). Invitae Evidence Modeling of protein sequence and biophysical properties (such as structural, functional, and spatial information, amino acid conservation, physicochemical variation, residue mobility, and thermodynamic stability) indicates that this missense variant is expected to disrupt MYH7 protein function with a positive predictive value of 95%. In summary, the available evidence is currently insufficient to determine the role of this variant in disease. Therefore, it has been classified as a Variant of Uncertain Significance.

All of Us Research Program, National Institutes of Health
Classification: Uncertain significance for Cardiomyopathy. Last evaluated: 2024-01-11. Review status: criteria provided, single submitter. Criteria: ACMG Guidelines, 2015. Collection method: clinical testing. Allele origin: germline. Inheritance: Autosomal dominant inheritance. Observed: 1 variant allele, 1 heterozygote.
Comment: This study involves interpretation of variants in research participants for the purpose of population health screening. Participant phenotype was not available at the time of variant classification. Additional details can be found in publication PMID: 35346344, PMCID: PMC8962531

NM_000257.4(MYH7):c.3814G>C (p.Asp1272His)

Gene: MYH7 (myosin heavy chain 7; minus strand). Cytogenetic location: 14q11.2.
Variant type: single nucleotide variant.
Coding change: c.3814G>C on transcript NM_000257.4 (MANE Select); coding-DNA position 3814, G replaced by C.
Protein change: p.Asp1272His; replaces aspartic acid 1272 with histidine.
Molecular consequence: missense variant.
Genome position (GRCh38, 1-based): chr14:23,419,522, C>G on the plus strand (G>C on the coding strand, the complement: MYH7 is on the minus strand). VCF-style: chr14-23419522-C-G. GRCh37 (hg19) VCF-style: chr14-23888731-C-G.
Other names: c.3814G>C, p.Asp1272His (NM_001407004.1); short protein forms D1272H.
Identifiers: ClinVar variation 3075333 (VCV003075333.2), dbSNP rs730880906, ClinGen allele CA389041999.